The following is an entry in ClinVar:

NM_194248.3(OTOF):c.2316-2A>C

Gene: OTOF (otoferlin; minus strand). Cytogenetic location: 2p23.3.
Variant type: single nucleotide variant.
Coding change: c.2316-2A>C on transcript NM_194248.3 (MANE Select); the canonical splice acceptor site of the intron before coding-DNA position 2316, A replaced by C.
Molecular consequence: splice acceptor variant.
Genome position (GRCh38, 1-based): chr2:26,477,508, T>G on the plus strand (A>C on the coding strand, the complement: OTOF is on the minus strand). VCF-style: chr2-26477508-T-G. GRCh37 (hg19) VCF-style: chr2-26700376-T-G.
Other names: c.246-2A>C (NM_194322.3); c.2316-2A>C (NM_001287489.2); c.75-2A>C (NM_194323.3, NM_004802.4).
Identifiers: ClinVar variation 3601530 (VCV003601530.2).

ClinVar aggregate classification (germline): Pathogenic. Review status: criteria provided, single submitter (1 of 4 stars). 2 submissions from 2 submitters: Pathogenic (1). 1 of the submissions does not count toward it. Last evaluated 2025-01-09.

Conditions:
Autosomal recessive nonsyndromic hearing loss 9. Also called: NEUROSENSORY NONSYNDROMIC RECESSIVE DEAFNESS 9; OTOF-Related Hearing Loss; Deafness, autosomal recessive 9; AUDITORY NEUROPATHY, AUTOSOMAL RECESSIVE, 1, TEMPERATURE-SENSITIVE. Identifiers: Orphanet 90636, MedGen C1832828, MONDO:0010986, OMIM 601071.

Submissions (2):

Institute of Rare Diseases, West China Hospital, Sichuan University
Classification: Pathogenic for Autosomal recessive nonsyndromic hearing loss 9. Last evaluated: 2025-01-09. Review status: criteria provided, single submitter. Criteria: ClinGen HL ACMG Specifications v1. Collection method: research. Allele origin: germline. Affected: yes.
Comment: PVS1;PM3;PM2_Supporting

Diagnosis and Treatment Center of Genetic Hearing Loss, Eye & ENT Hospital of Fudan University
Classification: Pathogenic for Autosomal recessive nonsyndromic hearing loss 9. Last evaluated: 2026-02-04. Review status: no assertion criteria provided. Collection method: clinical testing. Allele origin: germline. Inheritance: Autosomal recessive inheritance. Affected: yes. Not counted in ClinVar's aggregate classification.
Comment: The c.2316-2A>C splice acceptor variant in OTOF is predicted to disrupt splicing (PVS1). It is absent from population databases (PM2_Supporting). It was detected in trans with pathogenic c.2406+2dup (PM3).